The following is an entry in ClinVar:

ClinVar aggregate classification (germline): Benign/Likely benign. Review status: criteria provided, multiple submitters, no conflicts (2 of 4 stars). 6 submissions from 6 submitters: Benign (3); Likely benign (1). 2 of the submissions do not count toward it. Last evaluated 2026-02-01.

Conditions:
Treacher Collins syndrome 1 (TCS1). Also called: TCOF1-Related Treacher Collins Syndrome. Identifiers: Orphanet 861, MedGen CN315775, MONDO:0007944, OMIM 154500.

Submissions (6):

Labcorp Genetics (formerly Invitae), Labcorp
Classification: Benign for Treacher Collins syndrome 1. Last evaluated: 2026-02-01. Review status: criteria provided, single submitter. Criteria: Invitae Variant Classification Sherloc (09022015). Collection method: clinical testing. Allele origin: germline.

CeGaT Center for Human Genetics Tuebingen
Classification: Likely benign. Last evaluated: 2024-04-01. Review status: criteria provided, single submitter. Criteria: CeGaT Center For Human Genetics Tuebingen Variant Classification Criteria Version 2. Collection method: clinical testing. Allele origin: germline. Affected: yes. Observed: 1 variant allele.
Comment: TCOF1: PM4:Supporting, BS1

GeneDx
Classification: Benign. Last evaluated: 2019-01-25. Review status: criteria provided, single submitter. Criteria: GeneDx Variant Classification Process June 2021. Collection method: clinical testing. Allele origin: germline. Affected: yes.
Comment: This variant is associated with the following publications: (PMID: 12444270)

Center for Pediatric Genomic Medicine, Children's Mercy Hospital and Clinics
Classification: Benign. Last evaluated: 2015-02-11. Review status: criteria provided, single submitter. Criteria: ACMG Guidelines, 2015. Collection method: clinical testing. Allele origin: germline.

Clinical Genetics DNA and cytogenetics Diagnostics Lab, Erasmus MC, Erasmus Medical Center
Classification: Likely benign. Review status: no assertion criteria provided. Collection method: clinical testing. Allele origin: germline. Affected: yes. Study: VKGL Data-share Consensus. Not counted in ClinVar's aggregate classification.

Laboratory of Diagnostic Genome Analysis, Leiden University Medical Center (LUMC)
Classification: Likely benign. Review status: no assertion criteria provided. Collection method: clinical testing. Allele origin: germline. Affected: yes. Study: VKGL Data-share Consensus. Not counted in ClinVar's aggregate classification.

NM_001371623.1(TCOF1):c.4326GAA[2] (p.Lys1445del)

Gene: TCOF1 (treacle ribosome biogenesis factor 1; plus strand). Cytogenetic location: 5q32.
Variant type: Microsatellite.
Coding change: c.4326GAA[2] on transcript NM_001371623.1 (MANE Select); two copies in a row of the 3-base unit GAA starting at c.4326; the reference has three copies in a row; one copy, 3 bases deleted.
Protein change: p.Lys1445del; deletes lysine 1445.
Molecular consequence: inframe deletion.
Genome position (GRCh38, 1-based): chr5:150,396,829-150,396,831, GAA deleted; deleting any 3 consecutive bases within chr5:150,396,822-150,396,831 gives the same sequence; the position shown is the placement nearest the transcript's 3' end. VCF-style (leftmost placement, unchanged base first): chr5-150396821-GAGA-G. GRCh37 (hg19) VCF-style: chr5-149776384-GAGA-G.
Other names: c.4329_4331delGAA (NM_001135243.1); c.4092GAA[2], p.Lys1367del (NM_000356.4); c.4323GAA[2], p.Lys1444del (NM_001135243.2); c.4212GAA[2], p.Lys1407del (NM_001135244.2); c.4095GAA[2], p.Lys1368del (NM_001135245.2); c.4209GAA[2], p.Lys1406del (NM_001195141.2); short protein forms K1444del, K1367del, K1368del, K1406del, K1407del, K1445del.
Identifiers: ClinVar variation 352236 (VCV000352236.35), dbSNP rs574569798, ClinGen allele CA3511709.